The following is an entry in ClinVar:

ClinVar aggregate classification (germline): Uncertain significance (1 of 4 stars; one submission).

Conditions:
Inborn genetic diseases. Identifiers: MedGen C0950123, MeSH D030342.

Submission:

Ambry Genetics
Classification: Uncertain significance for Inborn genetic diseases. Last evaluated: 2025-06-20. Review status: criteria provided, single submitter. Criteria: Ambry Variant Classification Scheme 2023. Collection method: clinical testing. Allele origin: germline.
Comment: The p.D311G variant (also known as c.932A>G), located in coding exon 9 of the ANKRD26 gene, results from an A to G substitution at nucleotide position 932. The aspartic acid at codon 311 is replaced by glycine, an amino acid with similar properties. This amino acid position is conserved. In addition, this alteration is predicted to be tolerated by in silico analysis. Based on the available evidence, the clinical significance of this variant remains unclear.

NM_014915.3(ANKRD26):c.932A>G (p.Asp311Gly)

Gene: ANKRD26 (ankyrin repeat domain containing 26; minus strand). Cytogenetic location: 10p12.1.
Variant type: single nucleotide variant.
Coding change: c.932A>G on transcript NM_014915.3 (MANE Select); coding-DNA position 932, A replaced by G.
Protein change: p.Asp311Gly; replaces aspartic acid 311 with glycine.
Molecular consequence: missense variant.
Genome position (GRCh38, 1-based): chr10:27,077,483, T>C on the plus strand (A>G on the coding strand, the complement: ANKRD26 is on the minus strand). VCF-style: chr10-27077483-T-C. GRCh37 (hg19) VCF-style: chr10-27366412-T-C.
Other names: c.932A>G, p.Asp311Gly (NM_001256053.2); short protein forms D311G.
Identifiers: ClinVar variation 4102815 (VCV004102815.1).